The following is an entry in ClinVar:

ClinVar aggregate classification (germline): Uncertain significance (1 of 4 stars; one submission).

gnomAD v4.1: 1 of 1,612,022 alleles (0.000062%); highest among the groups gnomAD compares: Non-Finnish European, 0.000085%; no homozygotes.

Submission:

GeneDx
Classification: Uncertain significance. Last evaluated: 2024-09-12. Review status: criteria provided, single submitter. Criteria: GeneDx Variant Classification Process June 2021. Collection method: clinical testing. Allele origin: germline. Affected: yes.
Comment: Not observed at significant frequency in large population cohorts (gnomAD); In silico analysis indicates that this missense variant does not alter protein structure/function; Has not been previously published as pathogenic or benign to our knowledge

NM_024757.5(EHMT1):c.635T>C (p.Val212Ala)

Gene: EHMT1 (euchromatic histone lysine methyltransferase 1; plus strand). Cytogenetic location: 9q34.3.
Variant type: single nucleotide variant.
Coding change: c.635T>C on transcript NM_024757.5 (MANE Select); coding-DNA position 635, T replaced by C.
Protein change: p.Val212Ala; replaces valine 212 with alanine.
Molecular consequence: missense variant.
Genome position (GRCh38, 1-based): chr9:137,717,175, T>C. VCF-style: chr9-137717175-T-C. GRCh37 (hg19) VCF-style: chr9-140611627-T-C.
Other names: c.635T>C, p.Val212Ala (NM_001145527.2, NM_001354263.2, NM_001354611.2); c.542T>C, p.Val181Ala (NM_001354259.2, NM_001354612.2); short protein forms V181A, V212A.
Identifiers: ClinVar variation 3770051 (VCV003770051.1).